The following is an entry in ClinVar:

NM_182641.4(BPTF):c.7111A>G (p.Thr2371Ala)

Gene: BPTF (bromodomain PHD finger transcription factor; plus strand). Cytogenetic location: 17q24.2.
Variant type: single nucleotide variant.
Coding change: c.7111A>G on transcript NM_182641.4 (MANE Select); coding-DNA position 7111, A replaced by G.
Protein change: p.Thr2371Ala; replaces threonine 2371 with alanine.
Molecular consequence: missense variant.
Genome position (GRCh38, 1-based): chr17:67,945,819, A>G. VCF-style: chr17-67945819-A-G. GRCh37 (hg19) VCF-style: chr17-65941935-A-G.
Other names: c.7111A>G (NM_182641.3); c.7489A>G, p.Thr2497Ala (NM_004459.7); short protein forms T2497A, T2371A.
Identifiers: ClinVar variation 2071042 (VCV002071042.29), dbSNP rs149704276, ClinGen allele CA8726332.
Genomic context (GRCh38, chr17:67,945,819, plus strand): 5'-ATACGTCCATCAACTCCATCCCAACTGTCTCCTGGACAACAATCCCAGGTTCAGACTACA[A>G]CCTCACAACCGATTCCAATTCAACCACATACATCTCTTCAGATACCTTCCCAAGGCCAGC-3'
Protein context (NP_872579.2, residues 2361-2381): PGQQSQVQTT[Thr2371Ala]SQPIPIQPHT

ClinVar aggregate classification (germline): Conflicting classifications of pathogenicity. Review status: criteria provided, conflicting classifications (1 of 4 stars). 3 submissions from 3 submitters: Uncertain significance (1); Likely benign (2). Last evaluated 2024-12-24.

Conditions:
Inborn genetic diseases. Identifiers: MedGen C0950123, MeSH D030342.

Allele frequency attached by ClinVar (database versions not stated): ESP Exome Variant Server 0.00008; TOPMed 0.00015; ExAC 0.00016; gnomAD 0.00018; gnomAD exomes 0.00029.
gnomAD v4.1: 470 of 1,613,914 alleles (0.029%); highest among the groups gnomAD compares: Non-Finnish European, 0.034%; 1 homozygote.

Submissions (3):

Labcorp Genetics (formerly Invitae), Labcorp
Classification: Uncertain significance. Last evaluated: 2024-12-24. Review status: criteria provided, single submitter. Criteria: Invitae Variant Classification Sherloc (09022015). Collection method: clinical testing. Allele origin: germline.
Comment: This sequence change replaces threonine, which is neutral and polar, with alanine, which is neutral and non-polar, at codon 2497 of the BPTF protein (p.Thr2497Ala). This variant is present in population databases (rs149704276, gnomAD 0.02%). This variant has not been reported in the literature in individuals affected with BPTF-related conditions. ClinVar contains an entry for this variant (Variation ID: 2071042). An algorithm developed to predict the effect of missense changes on protein structure and function outputs the following: PolyPhen-2: "Benign". The alanine amino acid residue is found in multiple mammalian species, which suggests that this missense change does not adversely affect protein function. In summary, the available evidence is currently insufficient to determine the role of this variant in disease. Therefore, it has been classified as a Variant of Uncertain Significance.

Ambry Genetics
Classification: Likely benign for Inborn genetic diseases. Last evaluated: 2023-10-13. Review status: criteria provided, single submitter. Criteria: Ambry Variant Classification Scheme 2023. Collection method: clinical testing. Allele origin: germline.

CeGaT Center for Human Genetics Tuebingen
Classification: Likely benign. Last evaluated: 2023-01-01. Review status: criteria provided, single submitter. Criteria: CeGaT Center For Human Genetics Tuebingen Variant Classification Criteria Version 2. Collection method: clinical testing. Allele origin: germline. Affected: yes. Observed: 1 variant allele.
Comment: BPTF: BP4, BS2